The following is an entry in ClinVar:

ClinVar aggregate classification (germline): Uncertain significance (1 of 4 stars; one submission).

Submission:

GeneDx
Classification: Uncertain significance. Last evaluated: 2022-09-20. Review status: criteria provided, single submitter. Criteria: GeneDx Variant Classification Process June 2021. Collection method: clinical testing. Allele origin: germline. Affected: yes.
Comment: Not observed at significant frequency in large population cohorts (gnomAD); In silico analysis supports that this missense variant has a deleterious effect on protein structure/function; Has not been previously published as pathogenic or benign to our knowledge

NM_001271.4(CHD2):c.4546T>G (p.Cys1516Gly)

Gene: CHD2 (chromodomain helicase DNA binding protein 2; plus strand). Cytogenetic location: 15q26.1.
Variant type: single nucleotide variant.
Coding change: c.4546T>G on transcript NM_001271.4 (MANE Select); coding-DNA position 4546, T replaced by G.
Protein change: p.Cys1516Gly; replaces cysteine 1516 with glycine.
Molecular consequence: missense variant.
Genome position (GRCh38, 1-based): chr15:93,009,277, T>G. VCF-style: chr15-93009277-T-G. GRCh37 (hg19) VCF-style: chr15-93552507-T-G.
Other names: short protein forms C1516G.
Identifiers: ClinVar variation 2444523 (VCV002444523.1), dbSNP rs754832773, ClinGen allele CA393904621.